The following is an entry in ClinVar:

NM_016239.4(MYO15A):c.725G>A (p.Gly242Asp)

Gene: MYO15A (myosin XVA; plus strand). Cytogenetic location: 17p11.2.
Variant type: single nucleotide variant.
Coding change: c.725G>A on transcript NM_016239.4 (MANE Select); coding-DNA position 725, G replaced by A.
Protein change: p.Gly242Asp; replaces glycine 242 with aspartic acid.
Molecular consequence: missense variant.
Genome position (GRCh38, 1-based): chr17:18,119,525, G>A. VCF-style: chr17-18119525-G-A. GRCh37 (hg19) VCF-style: chr17-18022839-G-A.
Other names: short protein forms G242D.
Identifiers: ClinVar variation 2580582 (VCV002580582.1), dbSNP rs1567619584, ClinGen allele CA398575440.
Genomic context (GRCh38, chr17:18,119,525, plus strand): 5'-CGCTGTACGGGCTTGAGGGCTTCCAGGACCTGGGCGAGTATTATGACTATCACCGCGACG[G>A]CGACGACTACTACGACCGGCAGTCACTCCACCGCTACGAGGAGCAGGAACCCTACCTGGC-3'
Protein context (NP_057323.3, residues 232-252): LGEYYDYHRD[Gly242Asp]DDYYDRQSLH

ClinVar aggregate classification (germline): Uncertain significance (1 of 4 stars; one submission).

Allele frequency attached by ClinVar (database versions not stated): gnomAD exomes below 0.00001.
gnomAD v4.1: 2 of 1,610,550 alleles (0.00012%); highest among the groups gnomAD compares: Admixed American, 0.0033%; no homozygotes.

Submission:

GeneDx
Classification: Uncertain significance. Last evaluated: 2023-03-21. Review status: criteria provided, single submitter. Criteria: GeneDx Variant Classification Process June 2021. Collection method: clinical testing. Allele origin: germline. Affected: yes.
Comment: Not observed at significant frequency in large population cohorts (gnomAD); In silico analysis supports that this missense variant does not alter protein structure/function; Has not been previously published as pathogenic or benign to our knowledge